The following is an entry in ClinVar:

ClinVar aggregate classification (germline): Uncertain significance (1 of 4 stars; one submission).

Allele frequency attached by ClinVar (database versions not stated): gnomAD 0.00002; TOPMed 0.00001; ExAC 0.00001.

Submission:

Labcorp Genetics (formerly Invitae), Labcorp
Classification: Uncertain significance. Last evaluated: 2021-12-27. Review status: criteria provided, single submitter. Criteria: Invitae Variant Classification Sherloc (09022015). Collection method: clinical testing. Allele origin: germline.
Comment: In summary, the available evidence is currently insufficient to determine the role of this variant in disease. Therefore, it has been classified as a Variant of Uncertain Significance. Variants that disrupt the consensus splice site are a relatively common cause of aberrant splicing (PMID: 17576681, 9536098). This variant has not been reported in the literature in individuals affected with TMEM107-related conditions. This variant is present in population databases (rs767190527, gnomAD 0.002%). This sequence change falls in intron 2 of the TMEM107 gene. It does not directly change the encoded amino acid sequence of the TMEM107 protein. It affects a nucleotide within the consensus splice site.

Literature cited by the submitters: PubMed 17576681; PubMed 9536098.

NM_183065.4(TMEM107):c.156-21C>T

Genes: TMEM107 (transmembrane protein 107; minus strand), LOC105371520 (uncharacterized LOC105371520; plus strand), LOC130060225 (ATAC-STARR-seq lymphoblastoid active region 11674; plus strand). Cytogenetic location: 17p13.1.
Variant type: single nucleotide variant.
Coding change: c.156-21C>T on transcript NM_183065.4 (MANE Select); 21 bases into the intron before coding-DNA position 156, C replaced by T.
Molecular consequence: intron variant.
Genome position (GRCh38, 1-based): chr17:8,175,878, G>A on the plus strand (C>T on the coding strand, the complement: TMEM107 is on the minus strand). VCF-style: chr17-8175878-G-A. GRCh37 (hg19) VCF-style: chr17-8079196-G-A.
Other names: c.155+81C>T (NM_001351280.2); c.156-21C>T (NM_001351279.2); c.156-3C>T (NM_001351278.2, NM_032354.5).
Identifiers: ClinVar variation 2069106 (VCV002069106.4), dbSNP rs767190527, ClinGen allele CA8371023.
Genomic context (GRCh38, chr17:8,175,878, plus strand): 5'-TGCAAAGAGGCCCAGGGTGACAGAGAGCGCGGCCACCAGCCTGCAGAGAGGAAGTGGACT[G>A]GCCCAGGCCTTTGGACTTATTCTAAGACCCCTCCACTCCCACCACCTCTTCGTTCTGGCC-3'